The following is an entry in ClinVar:

ClinVar aggregate classification (germline): Uncertain significance (1 of 4 stars; one submission).

Conditions:
Primary familial hypertrophic cardiomyopathy (HCM). Identifiers: Orphanet 99739, MedGen C0949658, MeSH D024741, MONDO:0024573. Inheritance: Various modes of inheritance.
Dilated cardiomyopathy 1AA (CMD1AA). Also called: CARDIOMYOPATHY, DILATED, 1AA, WITH OR WITHOUT LEFT VENTRICULAR NONCOMPACTION; CARDIOMYOPATHY, FAMILIAL HYPERTROPHIC, 23, WITH OR WITHOUT LEFT VENTRICULAR NONCOMPACTION; Cardiomyopathy, dilated, 1AA, with or without LVNC. Identifiers: Orphanet 154, MedGen C2677338, MONDO:0012808, OMIM 612158.

Submission:

Labcorp Genetics (formerly Invitae), Labcorp
Classification: Uncertain significance for Primary familial hypertrophic cardiomyopathy; Dilated cardiomyopathy 1AA. Last evaluated: 2023-07-06. Review status: criteria provided, single submitter. Criteria: Invitae Variant Classification Sherloc (09022015). Collection method: clinical testing. Allele origin: germline.
Comment: In summary, the available evidence is currently insufficient to determine the role of this variant in disease. Therefore, it has been classified as a Variant of Uncertain Significance. Experimental studies and prediction algorithms are not available or were not evaluated, and the functional significance of this variant is currently unknown. This variant has not been reported in the literature in individuals affected with ACTN2-related conditions. This variant is present in population databases (rs755772880, gnomAD 0.003%). This variant, c.1769_1771del, results in the deletion of 1 amino acid(s) of the ACTN2 protein (p.Asn590del), but otherwise preserves the integrity of the reading frame.

NM_001103.4(ACTN2):c.1766ACA[1] (p.Asn590del)

Gene: ACTN2 (actinin alpha 2; plus strand). Cytogenetic location: 1q43.
Variant type: Microsatellite.
Coding change: c.1766ACA[1] on transcript NM_001103.4 (MANE Select); one copy of the 3-base unit ACA starting at c.1766; the reference has two copies in a row; one copy, 3 bases deleted.
Protein change: p.Asn590del; deletes asparagine 590.
Molecular consequence: inframe deletion. On other transcripts: inframe indel (2), non-coding transcript variant (1).
Genome position (GRCh38, 1-based): chr1:236,751,582-236,751,584, ACA deleted; deleting any 3 consecutive bases within chr1:236,751,579-236,751,584 gives the same sequence; the position shown is the placement nearest the transcript's 3' end. VCF-style (leftmost placement, unchanged base first): chr1-236751578-TACA-T. GRCh37 (hg19) VCF-style: chr1-236914878-TACA-T.
Other names: c.1766ACA[1], p.Asn590del (NM_001278343.2); c.1142_1144ACA[1], p.Asn382del (NM_001278344.2); c.1016_1018ACA[1], p.Asn340del (NM_001412150.1); short protein forms N590del, N382del, N340del.
Identifiers: ClinVar variation 2928874 (VCV002928874.3), dbSNP rs755772880, ClinGen allele CA1473246.